The following is an entry in ClinVar:

ClinVar aggregate classification (germline): Likely pathogenic (1 of 4 stars; one submission).

Submission:

Labcorp Genetics (formerly Invitae), Labcorp
Classification: Likely pathogenic. Last evaluated: 2024-09-29. Review status: criteria provided, single submitter. Criteria: Invitae Variant Classification Sherloc (09022015). Collection method: clinical testing. Allele origin: germline.
Comment: This sequence change affects a donor splice site in intron 7 of the ADGRG1 gene. It is expected to disrupt RNA splicing. Variants that disrupt the donor or acceptor splice site typically lead to a loss of protein function (PMID: 16199547), and loss-of-function variants in ADGRG1 are known to be pathogenic (PMID: 15044805, 20929962). This variant is not present in population databases (gnomAD no frequency). This variant has not been reported in the literature in individuals affected with ADGRG1-related conditions. Algorithms developed to predict the effect of sequence changes on RNA splicing suggest that this variant may disrupt the consensus splice site. In summary, the currently available evidence indicates that the variant is pathogenic, but additional data are needed to prove that conclusively. Therefore, this variant has been classified as Likely Pathogenic.

Literature cited by the submitters: PubMed 16199547; PubMed 15044805; PubMed 20929962.

NM_201525.4(ADGRG1):c.900+1G>T

Gene: ADGRG1 (adhesion G protein-coupled receptor G1; plus strand). Cytogenetic location: 16q21.
Variant type: single nucleotide variant.
Coding change: c.900+1G>T on transcript NM_201525.4 (MANE Select); the canonical splice donor site of the intron after coding-DNA position 900, G replaced by T.
Molecular consequence: splice donor variant.
Genome position (GRCh38, 1-based): chr16:57,655,531, G>T. VCF-style: chr16-57655531-G-T. GRCh37 (hg19) VCF-style: chr16-57689443-G-T.
Other names: c.900+1G>T (NM_001370440.1, NM_001370428.1, NM_001370436.1 and 16 more transcripts); c.390+1G>T (NM_001290142.2); c.375+1G>T (NM_001370451.1, NM_001290143.2, NM_001370453.1 and 2 more transcripts); c.744+1G>T (NM_001370442.1); c.915+1G>T (NM_001370433.1, NM_001145773.3).
Identifiers: ClinVar variation 3721849 (VCV003721849.2).